The following is an entry in ClinVar:

NM_015404.4(WHRN):c.1126G>A (p.Ala376Thr)

Gene: WHRN (whirlin; minus strand). Cytogenetic location: 9q32.
Variant type: single nucleotide variant.
Coding change: c.1126G>A on transcript NM_015404.4 (MANE Select); coding-DNA position 1126, G replaced by A.
Protein change: p.Ala376Thr; replaces alanine 376 with threonine.
Molecular consequence: missense variant. On other transcripts: 5 prime UTR variant (1).
Genome position (GRCh38, 1-based): chr9:114,426,251, C>T on the plus strand (G>A on the coding strand, the complement: WHRN is on the minus strand). VCF-style: chr9-114426251-C-T. GRCh37 (hg19) VCF-style: chr9-117188531-C-T.
Other names: c.-24G>A (NM_001083885.3); c.1126G>A, p.Ala376Thr (NM_001173425.2); short protein forms A376T.
Identifiers: ClinVar variation 1370809 (VCV001370809.6), dbSNP rs545251395, ClinGen allele CA5206076.

ClinVar aggregate classification (germline): Uncertain significance. Review status: criteria provided, multiple submitters, no conflicts (2 of 4 stars). 2 submissions from 2 submitters: Uncertain significance (2). Last evaluated 2024-10-24.

Allele frequency attached by ClinVar (database versions not stated): 1000 Genomes Project 30x 0.00031; 1000 Genomes Project 0.00040.
gnomAD v4.1: 24 of 1,612,680 alleles (0.0015%); highest among the groups gnomAD compares: East Asian, 0.0045%; no homozygotes.

Submissions (2):

Blueprint Genetics
Classification: Uncertain significance. Last evaluated: 2024-10-24. Review status: criteria provided, single submitter. Criteria: ACMG Guidelines, 2015. Collection method: clinical testing. Allele origin: germline.

Labcorp Genetics (formerly Invitae), Labcorp
Classification: Uncertain significance. Last evaluated: 2021-09-01. Review status: criteria provided, single submitter. Criteria: Invitae Variant Classification Sherloc (09022015). Collection method: clinical testing. Allele origin: germline.
Comment: This sequence change replaces alanine with threonine at codon 376 of the WHRN protein (p.Ala376Thr). The alanine residue is highly conserved and there is a small physicochemical difference between alanine and threonine. This variant is present in population databases (rs545251395, ExAC 0.05%). This variant has not been reported in the literature in individuals affected with WHRN-related conditions. Algorithms developed to predict the effect of missense changes on protein structure and function (SIFT, PolyPhen-2, Align-GVGD) all suggest that this variant is likely to be tolerated. In summary, the available evidence is currently insufficient to determine the role of this variant in disease. Therefore, it has been classified as a Variant of Uncertain Significance.